The following is an entry in ClinVar:

NM_201525.4(ADGRG1):c.623A>C (p.Gln208Pro)

Gene: ADGRG1 (adhesion G protein-coupled receptor G1; plus strand). Cytogenetic location: 16q21.
Variant type: single nucleotide variant.
Coding change: c.623A>C on transcript NM_201525.4 (MANE Select); coding-DNA position 623, A replaced by C.
Protein change: p.Gln208Pro; replaces glutamine 208 with proline.
Molecular consequence: missense variant.
Genome position (GRCh38, 1-based): chr16:57,653,988, A>C. VCF-style: chr16-57653988-A-C. GRCh37 (hg19) VCF-style: chr16-57687900-A-C.
Other names: c.623A>C, p.Gln208Pro (NM_001145770.3, NM_001145771.3, NM_001145772.3 and 16 more transcripts); c.638A>C, p.Gln213Pro (NM_001145773.3, NM_001370433.1); c.113A>C, p.Gln38Pro (NM_001290142.2); c.98A>C, p.Gln33Pro (NM_001290143.2, NM_001290144.2, NM_001370451.1 and 2 more transcripts); c.467A>C, p.Gln156Pro (NM_001370442.1); short protein forms Q156P, Q208P, Q213P, Q33P, Q38P.
Identifiers: ClinVar variation 2507199 (VCV002507199.1), dbSNP rs764722050, ClinGen allele CA8078462.

ClinVar aggregate classification (germline): Uncertain significance (1 of 4 stars; one submission).

Allele frequency attached by ClinVar (database versions not stated): ExAC 0.00001; gnomAD 0.00001; TOPMed 0.00001.
gnomAD v4.1: 1 of 1,613,762 alleles (0.000062%); highest among the groups gnomAD compares: African/African-American, 0.0013%; no homozygotes.

Submission:

GeneDx
Classification: Uncertain significance. Last evaluated: 2022-12-30. Review status: criteria provided, single submitter. Criteria: GeneDx Variant Classification Process June 2021. Collection method: clinical testing. Allele origin: germline. Affected: yes.
Comment: Not observed at significant frequency in large population cohorts (gnomAD); In silico analysis supports that this missense variant has a deleterious effect on protein structure/function; Has not been previously published as pathogenic or benign to our knowledge